The following is an entry in ClinVar:

ClinVar aggregate classification (germline): Likely pathogenic (1 of 4 stars; one submission).

Submission:

Labcorp Genetics (formerly Invitae), Labcorp
Classification: Likely pathogenic. Last evaluated: 2022-01-06. Review status: criteria provided, single submitter. Criteria: Invitae Variant Classification Sherloc (09022015). Collection method: clinical testing. Allele origin: germline.
Comment: In summary, the currently available evidence indicates that the variant is pathogenic, but additional data are needed to prove that conclusively. Therefore, this variant has been classified as Likely Pathogenic. ClinVar contains an entry for this variant (Variation ID: 966122). This variant has not been reported in the literature in individuals affected with REEP6-related conditions. This variant is not present in population databases (gnomAD no frequency). This sequence change affects a donor splice site in intron 3 of the REEP6 gene. It is expected to disrupt RNA splicing. Variants that disrupt the donor or acceptor splice site typically lead to a loss of protein function (PMID: 16199547), and loss-of-function variants in REEP6 are known to be pathogenic (PMID: 27889058, 29120066).

Literature cited by the submitters: PubMed 16199547; PubMed 27889058; PubMed 29120066.

NM_138393.4(REEP6):c.348+2T>G

Gene: REEP6 (receptor accessory protein 6; plus strand). Cytogenetic location: 19p13.3.
Variant type: single nucleotide variant.
Coding change: c.348+2T>G on transcript NM_138393.4 (MANE Select); the canonical splice donor site of the intron after coding-DNA position 348, T replaced by G.
Molecular consequence: splice donor variant.
Genome position (GRCh38, 1-based): chr19:1,495,609, T>G. VCF-style: chr19-1495609-T-G. GRCh37 (hg19) VCF-style: chr19-1495608-T-G.
Other names: c.348+2T>G (NM_001329556.3).
Identifiers: ClinVar variation 966122 (VCV000966122.8), dbSNP rs2085000001, ClinGen allele CA403056860.